The following is an entry in ClinVar:

NM_015937.6(PIGT):c.531G>A (p.Pro177=)

Gene: PIGT (phosphatidylinositol glycan anchor biosynthesis class T; plus strand). Cytogenetic location: 20q13.12.
Variant type: single nucleotide variant.
Coding change: c.531G>A on transcript NM_015937.6 (MANE Select); coding-DNA position 531, G replaced by A.
Protein change: p.Pro177=; no amino-acid change (proline 177 retained).
Molecular consequence: synonymous variant. On other transcripts: non-coding transcript variant (3).
Genome position (GRCh38, 1-based): chr20:45,419,332, G>A. VCF-style: chr20-45419332-G-A. GRCh37 (hg19) VCF-style: chr20-44047972-G-A.
Other names: c.363G>A, p.Pro121= (NM_001184728.3); c.531G>A, p.Pro177= (NM_001184729.3); c.225G>A, p.Pro75= (NM_001184730.3).
Identifiers: ClinVar variation 788254 (VCV000788254.37), dbSNP rs138301099, ClinGen allele CA9877925.
Genomic context (GRCh38, chr20:45,419,332, plus strand): 5'-AGACAGACCTCTGTCTCCCTCAGACACTGACCACTACTTTCTGCGCTATGCTGTGCTGCC[G>A]CGGGAGGTGGTCTGCACCGAAAACCTCACCCCCTGGAAGAAGCTCTTGCCCTGTAGTTCC-3'
Protein context (NP_057021.2, residues 167-187): DHYFLRYAVL[Pro177=]REVVCTENLT

ClinVar aggregate classification (germline): Likely benign. Review status: criteria provided, multiple submitters, no conflicts (2 of 4 stars). 5 submissions from 5 submitters: Likely benign (4). 1 of the submissions does not count toward it. Last evaluated 2026-05-01.

Conditions:
Multiple congenital anomalies-hypotonia-seizures syndrome 3 (MCAHS3). Also called: GLYCOSYLPHOSPHATIDYLINOSITOL BIOSYNTHESIS DEFECT 7. Identifiers: Orphanet 369837, MedGen C3809356, MONDO:0014165, OMIM 615398.
PIGT-related disorder.

Allele frequency attached by ClinVar (database versions not stated): gnomAD 0.00078 and 0.00076; ExAC 0.00083; TOPMed 0.00085; gnomAD exomes 0.00091 and 0.00105; 1000 Genomes Project 30x 0.00031; 1000 Genomes Project 0.00040; ESP Exome Variant Server 0.00077.
gnomAD v4.1: 1,651 of 1,614,142 alleles (0.1%); highest among the groups gnomAD compares: Non-Finnish European, 0.11%; 1 homozygote.

Submissions (5):

CeGaT Center for Human Genetics Tuebingen
Classification: Likely benign. Last evaluated: 2026-05-01. Review status: criteria provided, single submitter. Criteria: CeGaT Center For Human Genetics Tuebingen Variant Classification Criteria Version 2. Collection method: clinical testing. Allele origin: germline. Affected: yes. Observed: 2 variant alleles.
Comment: PIGT: BP4, BP7

Labcorp Genetics (formerly Invitae), Labcorp
Classification: Likely benign for Multiple congenital anomalies-hypotonia-seizures syndrome 3. Last evaluated: 2026-01-23. Review status: criteria provided, single submitter. Criteria: Invitae Variant Classification Sherloc (09022015). Collection method: clinical testing. Allele origin: germline.

Blueprint Genetics
Classification: Likely benign. Last evaluated: 2024-11-25. Review status: criteria provided, single submitter. Criteria: ACMG Guidelines, 2015. Collection method: clinical testing. Allele origin: germline.

Breakthrough Genomics
Classification: Likely benign. Review status: criteria provided, single submitter. Criteria: ACMG Guidelines, 2015. Collection method: not provided. Allele origin: germline. Inheritance: Autosomal recessive inheritance. Affected: yes.

PreventionGenetics, part of Exact Sciences
Classification: Likely benign for PIGT-related condition. Last evaluated: 2022-06-09. Review status: no assertion criteria provided. Collection method: clinical testing. Allele origin: germline. Not counted in ClinVar's aggregate classification.
Comment: This variant is classified as likely benign based on ACMG/AMP sequence variant interpretation guidelines (Richards et al. 2015 PMID: 25741868, with internal and published modifications).